The following is an entry in ClinVar:

NM_000038.6(APC):c.2500T>G (p.Ser834Ala)

Gene: APC (APC regulator of Wnt signaling pathway; plus strand). Cytogenetic location: 5q22.2.
Variant type: single nucleotide variant.
Coding change: c.2500T>G on transcript NM_000038.6 (MANE Select); coding-DNA position 2500, T replaced by G.
Protein change: p.Ser834Ala; replaces serine 834 with alanine.
Molecular consequence: missense variant. On other transcripts: non-coding transcript variant (2).
Genome position (GRCh38, 1-based): chr5:112,838,094, T>G. VCF-style: chr5-112838094-T-G. GRCh37 (hg19) VCF-style: chr5-112173791-T-G.
Other names: c.2500T>G, p.Ser834Ala (NM_001127510.3, NM_001354895.2, NM_001407450.1); c.2446T>G, p.Ser816Ala (NM_001127511.3); c.2554T>G, p.Ser852Ala (NM_001354896.2, NM_001407447.1, NM_001407448.1 and 1 more transcripts); c.2530T>G, p.Ser844Ala (NM_001354897.2); c.2479T>G, p.Ser827Ala (NM_001407451.1); c.2470T>G, p.Ser824Ala (NM_001407452.1); c.2323T>G, p.Ser775Ala (NM_001407453.1, NM_001354901.2); c.2251T>G, p.Ser751Ala (NM_001407454.1, NM_001407455.1, NM_001407456.1 and 1 more transcripts); and 11 more; short protein forms S450A, S551A, S674A, S705A, S708A, S733A, S743A, S751A.
Identifiers: ClinVar variation 3033305 (VCV003033305.4), dbSNP rs786203408, ClinGen allele CA16026817.

ClinVar aggregate classification (germline): Uncertain significance. Review status: criteria provided, multiple submitters, no conflicts (2 of 4 stars). 3 submissions from 3 submitters: Uncertain significance (2). 1 of the submissions does not count toward it. Last evaluated 2026-07-06.

Conditions:
Hereditary cancer-predisposing syndrome. Also called: Tumor predisposition; Hereditary Cancer Syndrome; Neoplastic Syndromes, Hereditary; Hereditary neoplastic syndrome. Identifiers: Orphanet 140162, MedGen C0027672, MeSH D009386, MONDO:0015356.
APC-related disorder. Also called: APC-related condition.

Submissions (3):

Ambry Genetics
Classification: Uncertain significance for Hereditary cancer-predisposing syndrome. Last evaluated: 2026-07-06. Review status: criteria provided, single submitter. Criteria: Ambry Variant Classification Scheme 2023. Collection method: clinical testing. Allele origin: germline.
Comment: The p.S834A variant (also known as c.2500T>G), located in coding exon 15 of the APC gene, results from a T to G substitution at nucleotide position 2500. The serine at codon 834 is replaced by alanine, an amino acid with similar properties. This amino acid position is conserved. In addition, in silico predictors for this gene do not accurately predict pathogenicity. Based on the available evidence, the clinical significance of this variant remains unclear.

GeneDx
Classification: Uncertain significance. Last evaluated: 2023-07-10. Review status: criteria provided, single submitter. Criteria: GeneDx Variant Classification Process June 2021. Collection method: clinical testing. Allele origin: germline. Affected: yes.
Comment: Not observed at significant frequency in large population cohorts (gnomAD); In silico analysis supports that this missense variant does not alter protein structure/function; Has not been previously published as pathogenic or benign to our knowledge

PreventionGenetics, part of Exact Sciences
Classification: Uncertain significance for APC-related condition. Last evaluated: 2023-11-17. Review status: no assertion criteria provided. Collection method: clinical testing. Allele origin: germline. Not counted in ClinVar's aggregate classification.
Comment: The APC c.2500T>G variant is predicted to result in the amino acid substitution p.Ser834Ala. To our knowledge, this variant has not been reported in the literature or in a large population database, indicating this variant is rare. At this time, the clinical significance of this variant is uncertain due to the absence of conclusive functional and genetic evidence.